The following is an entry in ClinVar:

NM_000059.4(BRCA2):c.6094G>A (p.Ala2032Thr)

Gene: BRCA2 (BRCA2 DNA repair associated; plus strand). Cytogenetic location: 13q13.1.
Variant type: single nucleotide variant.
Coding change: c.6094G>A on transcript NM_000059.4 (MANE Select); coding-DNA position 6094, G replaced by A.
Protein change: p.Ala2032Thr; replaces alanine 2032 with threonine.
Molecular consequence: missense variant.
Genome position (GRCh38, 1-based): chr13:32,340,449, G>A. VCF-style: chr13-32340449-G-A. GRCh37 (hg19) VCF-style: chr13-32914586-G-A.
Other names: short protein forms A2032T.
Identifiers: ClinVar variation 186865 (VCV000186865.18), dbSNP rs786203284, ClinGen allele CA023640.

ClinVar aggregate classification (germline): Conflicting classifications of pathogenicity. Review status: criteria provided, conflicting classifications (1 of 4 stars). 5 submissions from 5 submitters: Uncertain significance (2); Likely benign (3). Last evaluated 2026-03-31.

Conditions:
BRCA2-related disorder. Also called: BRCA2-related condition; BRCA2-related disorders. Identifiers: MedGen CN239275.
Hereditary cancer-predisposing syndrome. Also called: Neoplastic Syndromes, Hereditary; Tumor predisposition; Hereditary neoplastic syndrome; Hereditary Cancer Syndrome. Identifiers: Orphanet 140162, MedGen C0027672, MeSH D009386, MONDO:0015356.
Hereditary breast ovarian cancer syndrome. Also called: Hereditary breast and/or ovarian cancer syndrome; Hereditary breast and ovarian cancer syndrome; Hereditary breast and ovarian cancer; Hereditary breast and ovarian cancer syndrome (HBOC); Breast and ovarian cancer; BRCA1- and BRCA2-Associated Hereditary Breast and Ovarian Cancer. Identifiers: Orphanet 145, MedGen C0677776, MeSH D061325, MONDO:0003582. Disease mechanism: loss of function.
Breast-ovarian cancer, familial, susceptibility to, 2 (BROVCA2). Also called: BRCA2 Hereditary Breast and Ovarian Cancer. Identifiers: Orphanet 145, MedGen C2675520, MONDO:0012933, OMIM 612555. Disease mechanism: loss of function.

Submissions (5):

PreventionGenetics, part of Exact Sciences
Classification: Uncertain significance for BRCA2-related condition. Last evaluated: 2026-03-31. Review status: criteria provided, single submitter. Criteria: ACMG Guidelines, 2015. Collection method: clinical testing. Allele origin: germline.
Comment: The BRCA2 c.6094G>A variant is predicted to result in the amino acid substitution p.Ala2032Thr. To our knowledge, this variant has not been reported in the literature or in a large population database (gnomAD), indicating this variant is rare. This variant has conflicting interpretations in ClinVar ranging from uncertain to likely benign (Variation ID: 186865). At this time, the clinical significance of this variant is uncertain due to the absence of conclusive functional and genetic evidence.

Labcorp Genetics (formerly Invitae), Labcorp
Classification: Uncertain significance for Hereditary breast ovarian cancer syndrome. Last evaluated: 2026-01-26. Review status: criteria provided, single submitter. Criteria: Invitae Variant Classification Sherloc (09022015). Collection method: clinical testing. Allele origin: germline.
Comment: This sequence change replaces alanine, which is neutral and non-polar, with threonine, which is neutral and polar, at codon 2032 of the BRCA2 protein (p.Ala2032Thr). This variant is not present in population databases (gnomAD no frequency). This variant has not been reported in the literature in individuals affected with BRCA2-related conditions. ClinVar contains an entry for this variant (Variation ID: 186865). Invitae Evidence Modeling of protein sequence and biophysical properties (such as structural, functional, and spatial information, amino acid conservation, physicochemical variation, residue mobility, and thermodynamic stability) indicates that this missense variant is not expected to disrupt BRCA2 protein function with a negative predictive value of 95%. In summary, the available evidence is currently insufficient to determine the role of this variant in disease. Therefore, it has been classified as a Variant of Uncertain Significance.

Institute for Clinical Genetics, University Hospital TU Dresden, University Hospital TU Dresden
Classification: Likely benign for Breast-ovarian cancer, familial, susceptibility to, 2. Last evaluated: 2025-08-27. Review status: criteria provided, single submitter. Criteria: ACMG Guidelines, 2015. Collection method: clinical testing. Allele origin: germline. Affected: yes.

University of Washington Department of Laboratory Medicine, University of Washington
Classification: Likely benign for Hereditary cancer-predisposing syndrome. Last evaluated: 2023-03-23. Review status: criteria provided, single submitter. Criteria: Dines et al. (Genet Med. 2020). Collection method: curation. Allele origin: germline.
Comment: Missense variant in a coldspot region where missense variants are very unlikely to be pathogenic (PMID:31911673).

BRCA2 exon 11 coldspot. Reclassification based on statistical prior probability.

Ambry Genetics
Classification: Likely benign for Hereditary cancer-predisposing syndrome. Last evaluated: 2021-11-24. Review status: criteria provided, single submitter. Criteria: Ambry Variant Classification Scheme 2023. Collection method: clinical testing. Allele origin: germline.